The following is an entry in ClinVar:

ClinVar aggregate classification (germline): Pathogenic (1 of 4 stars; one submission).

Conditions:
Cerebral cavernous malformation (CCM). Also called: CAVERNOUS ANGIOMA, FAMILIAL; CAVERNOUS ANGIOMATOUS MALFORMATIONS; CEREBRAL CAPILLARY MALFORMATIONS; Cavernous Hemangioma of Brain; Cerebral cavernous malformations; Cerebral cavernous hemangioma (type). Identifiers: Orphanet 221061, MedGen C2919945, MONDO:0000820, OMIM 116860, HP:0033522.

Submission:

Labcorp Genetics (formerly Invitae), Labcorp
Classification: Pathogenic for Cerebral cavernous malformation. Last evaluated: 2022-08-22. Review status: criteria provided, single submitter. Criteria: Invitae Variant Classification Sherloc (09022015). Collection method: clinical testing. Allele origin: germline.
Comment: This sequence change creates a premature translational stop signal (p.Gly366Leufs*3) in the KRIT1 gene. It is expected to result in an absent or disrupted protein product. Loss-of-function variants in KRIT1 are known to be pathogenic (PMID: 10508515, 11222804, 12404106, 24689081). This variant is not present in population databases (gnomAD no frequency). This variant has not been reported in the literature in individuals affected with KRIT1-related conditions. For these reasons, this variant has been classified as Pathogenic.

Literature cited by the submitters: PubMed 10508515; PubMed 11222804; PubMed 12404106; PubMed 24689081.

NM_194454.3(KRIT1):c.1096_1102del (p.Gly366fs)

Gene: KRIT1 (KRIT1 ankyrin repeat containing; minus strand). Cytogenetic location: 7q21.2.
Variant type: Deletion.
Coding change: c.1096_1102del on transcript NM_194454.3 (MANE Select); coding-DNA positions 1096 to 1102, 7 bases deleted (GGACATG; older notation c.1096_1102delGGACATG).
Protein change: p.Gly366fs; shifts the reading frame from glycine 366.
Molecular consequence: frameshift variant.
Genome position (GRCh38, 1-based): chr7:92,226,570-92,226,576, CATGTCC deleted on the plus strand (GGACATG on the coding strand, the reverse complement: KRIT1 is on the minus strand). VCF-style (leftmost placement, unchanged base first): chr7-92226569-GCATGTCC-G. GRCh37 (hg19) VCF-style: chr7-91855883-GCATGTCC-G.
Other names: c.952_958del, p.Gly318fs (NM_001013406.2, NM_001350669.1, NM_001350670.1); c.382_388del, p.Gly128fs (NM_001350671.1); c.1096_1102del, p.Gly366fs (NM_001350672.1, NM_001350673.1, NM_001350674.1 and 26 more transcripts); short protein forms G318fs, G128fs, G366fs.
Identifiers: ClinVar variation 2026173 (VCV002026173.4), dbSNP rs2535886252, ClinGen allele CA2580077451.